The following is an entry in ClinVar:

ClinVar aggregate classification (germline): Uncertain significance (1 of 4 stars; one submission).

Conditions:
RYR1-related disorder. Also called: RYR1-related condition; RYR1-related disorders. Identifiers: MedGen CN239331.

Submission:

Labcorp Genetics (formerly Invitae), Labcorp
Classification: Uncertain significance for RYR1-related disorder. Last evaluated: 2021-04-09. Review status: criteria provided, single submitter. Criteria: Invitae Variant Classification Sherloc (09022015). Collection method: clinical testing. Allele origin: germline.
Comment: In summary, the available evidence is currently insufficient to determine the role of this variant in disease. Therefore, it has been classified as a Variant of Uncertain Significance. This variant disrupts the p.Val2168 amino acid residue in RYR1. Other variant(s) that disrupt this residue have been determined to be pathogenic (PMID: 25466363, 9497245, 19648156, 11668625). This suggests that this residue is clinically significant, and that variants that disrupt this residue are likely to be disease-causing. Algorithms developed to predict the effect of missense changes on protein structure and function are either unavailable or do not agree on the potential impact of this missense change (SIFT: "Deleterious"; PolyPhen-2: "Benign"; Align-GVGD: "Class C0"). This variant has been observed in individual(s) with clinical features of malignant hyperthermia susceptibility (Invitae). This variant is not present in population databases (ExAC no frequency). This sequence change replaces valine with alanine at codon 2168 of the RYR1 protein (p.Val2168Ala). The valine residue is highly conserved and there is a small physicochemical difference between valine and alanine.

Literature cited by the submitters: PubMed 25466363; PubMed 9497245; PubMed 19648156; PubMed 11668625.

NM_000540.3(RYR1):c.6503T>C (p.Val2168Ala)

Gene: RYR1 (ryanodine receptor 1; plus strand). Cytogenetic location: 19q13.2.
Variant type: single nucleotide variant.
Coding change: c.6503T>C on transcript NM_000540.3 (MANE Select); coding-DNA position 6503, T replaced by C.
Protein change: p.Val2168Ala; replaces valine 2168 with alanine.
Molecular consequence: missense variant.
Genome position (GRCh38, 1-based): chr19:38,494,580, T>C. VCF-style: chr19-38494580-T-C. GRCh37 (hg19) VCF-style: chr19-38985220-T-C.
Other names: c.6503T>C, p.Val2168Ala (NM_001042723.2); short protein forms V2168A.
Identifiers: ClinVar variation 1386048 (VCV001386048.8), dbSNP rs2145578596, ClinGen allele CA405664343.